The following is an entry in ClinVar:

NM_000321.3(RB1):c.2603C>T (p.Pro868Leu)

Gene: RB1 (RB transcriptional corepressor 1; plus strand). Cytogenetic location: 13q14.2.
Variant type: single nucleotide variant.
Coding change: c.2603C>T on transcript NM_000321.3 (MANE Select); coding-DNA position 2603, C replaced by T.
Protein change: p.Pro868Leu; replaces proline 868 with leucine.
Molecular consequence: missense variant.
Genome position (GRCh38, 1-based): chr13:48,476,783, C>T. VCF-style: chr13-48476783-C-T. GRCh37 (hg19) VCF-style: chr13-49050919-C-T.
Other names: c.2603C>T (NM_000321.2); short protein forms P868L.
Identifiers: ClinVar variation 1419381 (VCV001419381.10), dbSNP rs769539980, ClinGen allele CA036302.

ClinVar aggregate classification (germline): Uncertain significance. Review status: criteria provided, multiple submitters, no conflicts (2 of 4 stars). 3 submissions from 3 submitters: Uncertain significance (3). Last evaluated 2025-12-18.

Conditions:
Hereditary cancer-predisposing syndrome. Also called: Neoplastic Syndromes, Hereditary; Tumor predisposition; Hereditary Cancer Syndrome; Hereditary neoplastic syndrome. Identifiers: Orphanet 140162, MedGen C0027672, MeSH D009386, MONDO:0015356.
Retinoblastoma (RB1). Also called: RETINOBLASTOMA, SOMATIC. Identifiers: Orphanet 790, MedGen C0035335, MeSH D012175, MONDO:0008380, OMIM 180200, HP:0009919. Disease mechanism: loss of function. Inheritance: Both sporadic and heritable forms are tested..

Allele frequency attached by ClinVar (database versions not stated): gnomAD exomes below 0.00001; ExAC 0.00001.
gnomAD v4.1: 2 of 1,613,660 alleles (0.00012%); highest among the groups gnomAD compares: Non-Finnish European, 0.00017%; no homozygotes.

Submissions (3):

Ambry Genetics
Classification: Uncertain significance for Hereditary cancer-predisposing syndrome. Last evaluated: 2025-12-18. Review status: criteria provided, single submitter. Criteria: Ambry Variant Classification Scheme 2023. Collection method: clinical testing. Allele origin: germline.
Comment: The p.P868L variant (also known as c.2603C>T), located in coding exon 25 of the RB1 gene, results from a C to T substitution at nucleotide position 2603. The proline at codon 868 is replaced by leucine, an amino acid with similar properties. This amino acid position is well conserved in available vertebrate species. In addition, this alteration is predicted to be tolerated by in silico analysis. Based on the available evidence, the clinical significance of this variant remains unclear.

All of Us Research Program, National Institutes of Health
Classification: Uncertain significance for Retinoblastoma. Last evaluated: 2023-08-15. Review status: criteria provided, single submitter. Criteria: ACMG Guidelines, 2015. Collection method: clinical testing. Allele origin: germline. Inheritance: Autosomal dominant inheritance. Observed: 1 variant allele, 1 heterozygote.
Comment: This missense variant replaces proline with leucine at codon 868 of the RB1 protein. Computational prediction suggests that this variant may not impact protein structure and function (internally defined REVEL score threshold <= 0.5, PMID: 27666373). To our knowledge, functional studies have not been reported for this variant. This variant has not been reported in individuals affected with RB1-related disorders in the literature. This variant has been identified in 1/251336 chromosomes in the general population by the Genome Aggregation Database (gnomAD). The available evidence is insufficient to determine the role of this variant in disease conclusively. Therefore, this variant is classified as a Variant of Uncertain Significance.

This study involves interpretation of variants in research participants for the purpose of population health screening. Participant phenotype was not available at the time of variant classification. Additional details can be found in publication PMID: 35346344, PMCID: PMC8962531

Labcorp Genetics (formerly Invitae), Labcorp
Classification: Uncertain significance for Retinoblastoma. Last evaluated: 2021-04-05. Review status: criteria provided, single submitter. Criteria: Invitae Variant Classification Sherloc (09022015). Collection method: clinical testing. Allele origin: germline.
Comment: This sequence change replaces proline with leucine at codon 868 of the RB1 protein (p.Pro868Leu). The proline residue is moderately conserved and there is a moderate physicochemical difference between proline and leucine. This variant is present in population databases (rs769539980, ExAC 0.001%). This variant has not been reported in the literature in individuals with RB1-related conditions. Algorithms developed to predict the effect of missense changes on protein structure and function are either unavailable or do not agree on the potential impact of this missense change (SIFT: "Tolerated"; PolyPhen-2: "Possibly Damaging"; Align-GVGD: "Class C35"). In summary, the available evidence is currently insufficient to determine the role of this variant in disease. Therefore, it has been classified as a Variant of Uncertain Significance.